The following is an entry in ClinVar:

ClinVar aggregate classification (germline): Uncertain significance (1 of 4 stars; one submission).

Conditions:
Ehlers-Danlos syndrome, classic type, 1 (EDSCL1). Also called: EHLERS-DANLOS SYNDROME, GRAVIS TYPE; EHLERS-DANLOS SYNDROME, SEVERE CLASSIC TYPE; Ehlers-Danlos syndrome, type 1; Ehlers-Danlos Syndrome, Classic Type, COL5A1-Related; EDS I. Identifiers: MedGen C0268335, MONDO:0019567, OMIM 130000.

Submission:

Labcorp Genetics (formerly Invitae), Labcorp
Classification: Uncertain significance for Ehlers-Danlos syndrome, classic type, 1. Last evaluated: 2024-09-06. Review status: criteria provided, single submitter. Criteria: Invitae Variant Classification Sherloc (09022015). Collection method: clinical testing. Allele origin: germline.
Comment: This sequence change falls in intron 48 of the COL5A1 gene. It does not directly change the encoded amino acid sequence of the COL5A1 protein. It affects a nucleotide within the consensus splice site. This variant is not present in population databases (gnomAD no frequency). This variant has not been reported in the literature in individuals affected with COL5A1-related conditions. Variants that disrupt the consensus splice site are a relatively common cause of aberrant splicing (PMID: 17576681, 9536098). Algorithms developed to predict the effect of sequence changes on RNA splicing suggest that this variant is not likely to affect RNA splicing. In summary, the available evidence is currently insufficient to determine the role of this variant in disease. Therefore, it has been classified as a Variant of Uncertain Significance.

Literature cited by the submitters: PubMed 17576681; PubMed 9536098.

NM_000093.5(COL5A1):c.3852+6G>A

Gene: COL5A1 (collagen type V alpha 1 chain; plus strand). Cytogenetic location: 9q34.3.
Variant type: single nucleotide variant.
Coding change: c.3852+6G>A on transcript NM_000093.5 (MANE Select); 6 bases into the intron after coding-DNA position 3852, G replaced by A.
Molecular consequence: intron variant.
Genome position (GRCh38, 1-based): chr9:134,812,718, G>A. VCF-style: chr9-134812718-G-A. GRCh37 (hg19) VCF-style: chr9-137704564-G-A.
Other names: c.3852+6G>A (NM_001278074.1).
Identifiers: ClinVar variation 3631435 (VCV003631435.2).